The following is an entry in ClinVar:

ClinVar aggregate classification (germline): Likely pathogenic (1 of 4 stars; one submission).

Conditions:
Nemaline myopathy 8 (NEM8). Also called: Nemaline myopathy 8, autosomal recessive. Identifiers: Orphanet 171430, MedGen C3809209, MONDO:0014138, OMIM 615348.

gnomAD v4.1: 26 of 621,160 alleles (0.0042%); highest among the groups gnomAD compares: Admixed American, 0.013%; no homozygotes.

Submission:

Harry Perkins Institute Of Medical Research, University Of Western Australia
Classification: Likely pathogenic for Nemaline myopathy 8. Review status: criteria provided, single submitter. Criteria: ACMG Guidelines, 2015. Collection method: research, in vitro. Allele origin: germline, not applicable. Inheritance: Autosomal recessive inheritance. Affected: yes. Observed: 1 variant allele, 1 compound heterozygote. Functional consequence: decreased transcription, splicing variant, reduced protein expression.
Comment: PS3, PM2, PM3. Variant identified in trans with a pathogenic 10.9kb deletion spanning exons 2-6 of KLHL40 (Chr3:42688045-42698966 del (hg38))

NM_152393.4(KLHL40):c.*152G>T

Gene: KLHL40 (kelch like family member 40; plus strand). Cytogenetic location: 3p22.1.
Variant type: single nucleotide variant.
Coding change: c.*152G>T on transcript NM_152393.4 (MANE Select); 152 bases downstream of the stop codon, G replaced by T.
Molecular consequence: 3 prime UTR variant.
Genome position (GRCh38, 1-based): chr3:42,692,145, G>T. VCF-style: chr3-42692145-G-T. GRCh37 (hg19) VCF-style: chr3-42733637-G-T.
Identifiers: ClinVar variation 4857643 (VCV004857643.1).